The following is an entry in ClinVar:

ClinVar aggregate classification (germline): Uncertain significance. Review status: criteria provided, multiple submitters, no conflicts (2 of 4 stars). 2 submissions from 2 submitters: Uncertain significance (2). Last evaluated 2022-06-09.

Conditions:
Muscle AMP deaminase deficiency (MMDD). Also called: Myoadenylate deaminase deficiency, myopathy due to; Adenosine monophosphate deaminase 1 deficiency; AMP deaminase 1 deficiency; Adenosine Monophosphate Deaminase 1; ADENOSINE MONOPHOSPHATE DEAMINASE-1 DEFICIENCY, MYOPATHY DUE TO; AMPD1 DEFICIENCY. Identifiers: Orphanet 45, MedGen C3714933, MONDO:0014220, OMIM 615511.

Allele frequency attached by ClinVar (database versions not stated): gnomAD 0.00001; gnomAD exomes 0.00001; TOPMed 0.00001.
gnomAD v4.1: 23 of 1,613,896 alleles (0.0014%); highest among the groups gnomAD compares: East Asian, 0.0067%; no homozygotes.

Submissions (2):

Department of Pathology and Laboratory Medicine, Sinai Health System
Classification: Uncertain significance for myopathy due to myoadenylate deaminase deficiency. Last evaluated: 2022-06-09. Review status: criteria provided, single submitter. Criteria: ACMG Guidelines, 2015. Collection method: research. Allele origin: germline.

Labcorp Genetics (formerly Invitae), Labcorp
Classification: Uncertain significance for Muscle AMP deaminase deficiency. Last evaluated: 2021-11-14. Review status: criteria provided, single submitter. Criteria: Invitae Variant Classification Sherloc (09022015). Collection method: clinical testing. Allele origin: germline.
Comment: This sequence change replaces arginine, which is basic and polar, with glutamine, which is neutral and polar, at codon 325 of the AMPD1 protein (p.Arg325Gln). This variant is present in population databases (no rsID available, gnomAD 0.003%). This variant has not been reported in the literature in individuals affected with AMPD1-related conditions. Algorithms developed to predict the effect of missense changes on protein structure and function (SIFT, PolyPhen-2, Align-GVGD) all suggest that this variant is likely to be disruptive. In summary, the available evidence is currently insufficient to determine the role of this variant in disease. Therefore, it has been classified as a Variant of Uncertain Significance.

NM_000036.3(AMPD1):c.875G>A (p.Arg292Gln)

Gene: AMPD1 (adenosine monophosphate deaminase 1; minus strand). Cytogenetic location: 1p13.2.
Variant type: single nucleotide variant.
Coding change: c.875G>A on transcript NM_000036.3 (MANE Select); coding-DNA position 875, G replaced by A.
Protein change: p.Arg292Gln; replaces arginine 292 with glutamine.
Molecular consequence: missense variant.
Genome position (GRCh38, 1-based): chr1:114,679,601, C>T on the plus strand (G>A on the coding strand, the complement: AMPD1 is on the minus strand). VCF-style: chr1-114679601-C-T. GRCh37 (hg19) VCF-style: chr1-115222222-C-T.
Other names: c.863G>A, p.Arg288Gln (NM_001172626.2); short protein forms R292Q, R288Q.
Identifiers: ClinVar variation 1347309 (VCV001347309.4), dbSNP rs1290122973, ClinGen allele CA341750018.
Genomic context (GRCh38, chr1:114,679,601, plus strand): 5'-TTGCCCAGGAATTACCCCTGAGCAACTAAAATGTTTACCTTCCTGCAGTTATAAAAATCT[C>T]GGTGGGGGTTGTTTTTCAGCTCCTTTAACTCGTCCATCTCGTTAAGCATCTGATGGACCT-3'
Protein context (NP_000027.3, residues 282-302): ELKELKNNPH[Arg292Gln]DFYNCRKVDT